The following is an entry in ClinVar:

ClinVar aggregate classification (germline): Uncertain significance (1 of 4 stars; one submission).

Conditions:
Pyridoxal phosphate-responsive seizures (PNPOD). Also called: Pyridoxamine 5-Prime-Phosphate Oxidase Deficiency; Pyridoxine-5'-phosphate oxidase deficiency; Pyridoxal 5'-Phosphate (PLP)-Dependent Epilepsy; EPILEPTIC ENCEPHALOPATHY, NEONATAL, PNPO-RELATED; SEIZURES, PYRIDOXINE-RESISTANT, PLP-SENSITIVE. Identifiers: Orphanet 79096, MedGen C1864723, MONDO:0012407, OMIM 610090. Disease mechanism: loss of function.

Allele frequency attached by ClinVar (database versions not stated): gnomAD exomes below 0.00001.
gnomAD v4.1: 2 of 1,613,608 alleles (0.00012%); highest among the groups gnomAD compares: Non-Finnish European, 0.000085%; no homozygotes.

Submission:

Labcorp Genetics (formerly Invitae), Labcorp
Classification: Uncertain significance for Pyridoxal phosphate-responsive seizures. Last evaluated: 2021-09-01. Review status: criteria provided, single submitter. Criteria: Invitae Variant Classification Sherloc (09022015). Collection method: clinical testing. Allele origin: germline.
Comment: This sequence change replaces cysteine with tyrosine at codon 86 of the PNPO protein (p.Cys86Tyr). The cysteine residue is moderately conserved and there is a large physicochemical difference between cysteine and tyrosine. This variant is not present in population databases (ExAC no frequency). This variant has not been reported in the literature in individuals affected with PNPO-related conditions. Algorithms developed to predict the effect of missense changes on protein structure and function are either unavailable or do not agree on the potential impact of this missense change (SIFT: "Deleterious"; PolyPhen-2: "Possibly Damaging"; Align-GVGD: "Class C0"). In summary, the available evidence is currently insufficient to determine the role of this variant in disease. Therefore, it has been classified as a Variant of Uncertain Significance.

NM_018129.4(PNPO):c.257G>A (p.Cys86Tyr)

Gene: PNPO (pyridoxamine 5'-phosphate oxidase; plus strand). Cytogenetic location: 17q21.32.
Variant type: single nucleotide variant.
Coding change: c.257G>A on transcript NM_018129.4 (MANE Select); coding-DNA position 257, G replaced by A.
Protein change: p.Cys86Tyr; replaces cysteine 86 with tyrosine.
Molecular consequence: missense variant.
Genome position (GRCh38, 1-based): chr17:47,943,424, G>A. VCF-style: chr17-47943424-G-A. GRCh37 (hg19) VCF-style: chr17-46020790-G-A.
Other names: short protein forms C86Y.
Identifiers: ClinVar variation 1008828 (VCV001008828.6), dbSNP rs2035969639, ClinGen allele CA400056572.